The following is an entry in ClinVar:

NM_130849.4(SLC39A4):c.1426G>A (p.Glu476Lys)

Gene: SLC39A4 (solute carrier family 39 member 4; minus strand). Cytogenetic location: 8q24.3.
Variant type: single nucleotide variant.
Coding change: c.1426G>A on transcript NM_130849.4 (MANE Select); coding-DNA position 1426, G replaced by A.
Protein change: p.Glu476Lys; replaces glutamic acid 476 with lysine.
Molecular consequence: missense variant. On other transcripts: 5 prime UTR variant (1).
Genome position (GRCh38, 1-based): chr8:144,413,561, C>T on the plus strand (G>A on the coding strand, the complement: SLC39A4 is on the minus strand). VCF-style: chr8-144413561-C-T. GRCh37 (hg19) VCF-style: chr8-145638945-C-T.
Other names: c.1426G>A (NM_130849.2); c.-69G>A (NM_001280557.2); c.1351G>A, p.Glu451Lys (NM_017767.3); short protein forms E476K, E451K.
Identifiers: ClinVar variation 362234 (VCV000362234.11), dbSNP rs201400971, ClinGen allele CA4941223.

ClinVar aggregate classification (germline): Uncertain significance. Review status: criteria provided, multiple submitters, no conflicts (2 of 4 stars). 5 submissions from 5 submitters: Uncertain significance (5). Last evaluated 2024-10-30.

Conditions:
Hereditary acrodermatitis enteropathica (AEZ). Also called: Acrodermatitis enteropathica. Identifiers: Orphanet 37, MedGen C0221036, MONDO:0008713, OMIM 201100.
SLC39A4-related disorder. Also called: SLC39A4-related condition.
Inborn genetic diseases. Identifiers: MedGen C0950123, MeSH D030342.

Allele frequency attached by ClinVar (database versions not stated): gnomAD exomes 0.00051; TOPMed 0.00059; ESP Exome Variant Server 0.00064; gnomAD 0.00064 and 0.00065; ExAC 0.00065.
gnomAD v4.1: 1,632 of 1,553,328 alleles (0.11%); highest among the groups gnomAD compares: Non-Finnish European, 0.13%; 1 homozygote.

Submissions (5):

Blueprint Genetics
Classification: Uncertain significance. Last evaluated: 2024-10-30. Review status: criteria provided, single submitter. Criteria: ACMG Guidelines, 2015. Collection method: clinical testing. Allele origin: germline.

Ambry Genetics
Classification: Uncertain significance for Inborn genetic diseases. Last evaluated: 2024-07-22. Review status: criteria provided, single submitter. Criteria: Ambry Variant Classification Scheme 2023. Collection method: clinical testing. Allele origin: germline.

PreventionGenetics, part of Exact Sciences
Classification: Uncertain significance for SLC39A4-related condition. Last evaluated: 2022-12-10. Review status: criteria provided, single submitter. Criteria: ACMG Guidelines, 2015. Collection method: clinical testing. Allele origin: germline.
Comment: The SLC39A4 c.1426G>A variant is predicted to result in the amino acid substitution p.Glu476Lys. To our knowledge, this variant has not been reported in the literature. This variant is reported in 0.12% of alleles in individuals of European (Non-Finnish) descent in gnomAD. Although we suspect that this variant may be benign, at this time, the clinical significance of this variant is uncertain due to the absence of conclusive functional and genetic evidence.

Illumina Laboratory Services, Illumina
Classification: Uncertain significance for Hereditary acrodermatitis enteropathica. Last evaluated: 2018-01-13. Review status: criteria provided, single submitter. Criteria: ICSL Variant Classification Criteria 13 December 2019. Collection method: clinical testing. Allele origin: germline.

Breakthrough Genomics
Classification: Uncertain significance. Review status: criteria provided, single submitter. Criteria: ACMG Guidelines, 2015. Collection method: not provided. Allele origin: germline. Inheritance: Autosomal recessive inheritance. Affected: yes.